The following is an entry in ClinVar:

NM_213599.3(ANO5):c.1220G>T (p.Arg407Ile)

Gene: ANO5 (anoctamin 5; plus strand). Cytogenetic location: 11p14.3.
Variant type: single nucleotide variant.
Coding change: c.1220G>T on transcript NM_213599.3 (MANE Select); coding-DNA position 1220, G replaced by T.
Protein change: p.Arg407Ile; replaces arginine 407 with isoleucine.
Molecular consequence: missense variant.
Genome position (GRCh38, 1-based): chr11:22,255,410, G>T. VCF-style: chr11-22255410-G-T. GRCh37 (hg19) VCF-style: chr11-22276956-G-T.
Other names: c.1217G>T, p.Arg406Ile (NM_001142649.2); c.1178G>T, p.Arg393Ile (NM_001410963.1); c.1175G>T, p.Arg392Ile (NM_001410964.1); short protein forms R406I, R392I, R393I, R407I.
Identifiers: ClinVar variation 3127102 (VCV003127102.2), dbSNP rs755441788, ClinGen allele CA5923183.

ClinVar aggregate classification (germline): Uncertain significance. Review status: criteria provided, multiple submitters, no conflicts (2 of 4 stars). 2 submissions from 2 submitters: Uncertain significance (2). Last evaluated 2025-12-24.

Conditions:
Inborn genetic diseases. Identifiers: MedGen C0950123, MeSH D030342.
Gnathodiaphyseal dysplasia (GDD). Also called: GNATHODIAPHYSEAL SCLEROSIS; OSTEOGENESIS IMPERFECTA WITH UNUSUAL SKELETAL LESIONS. Identifiers: Orphanet 53697, MedGen C1833736, MONDO:0008151, OMIM 166260.
Autosomal recessive limb-girdle muscular dystrophy type 2L (LGMDR12). Also called: Limb-girdle muscular dystrophy, type 2L; MUSCULAR DYSTROPHY, LIMB-GIRDLE, AUTOSOMAL RECESSIVE 12; Limb-Girdle Muscular Dystrophy R12 Anoctamin-5-Related (LGMD-R12). Identifiers: Orphanet 206549, MedGen C1969785, MONDO:0012652, OMIM 611307.

Allele frequency attached by ClinVar (database versions not stated): ExAC 0.00001; gnomAD exomes 0.00001.
gnomAD v4.1: 6 of 1,612,168 alleles (0.00037%); highest among the groups gnomAD compares: Admixed American, 0.0083%; no homozygotes.

Submissions (2):

Labcorp Genetics (formerly Invitae), Labcorp
Classification: Uncertain significance for Autosomal recessive limb-girdle muscular dystrophy type 2L; Gnathodiaphyseal dysplasia. Last evaluated: 2025-12-24. Review status: criteria provided, single submitter. Criteria: Invitae Variant Classification Sherloc (09022015). Collection method: clinical testing. Allele origin: germline.
Comment: This sequence change replaces arginine, which is basic and polar, with isoleucine, which is neutral and non-polar, at codon 407 of the ANO5 protein (p.Arg407Ile). This variant is present in population databases (rs755441788, gnomAD 0.01%). This variant has not been reported in the literature in individuals affected with ANO5-related conditions. ClinVar contains an entry for this variant (Variation ID: 3127102). Invitae Evidence Modeling of protein sequence and biophysical properties (such as structural, functional, and spatial information, amino acid conservation, physicochemical variation, residue mobility, and thermodynamic stability) has been performed for this missense variant. However, the output from this modeling did not meet the statistical confidence thresholds required to predict the impact of this variant on ANO5 protein function. In summary, the available evidence is currently insufficient to determine the role of this variant in disease. Therefore, it has been classified as a Variant of Uncertain Significance.

Ambry Genetics
Classification: Uncertain significance for Inborn genetic diseases. Last evaluated: 2024-01-08. Review status: criteria provided, single submitter. Criteria: Ambry Variant Classification Scheme 2023. Collection method: clinical testing. Allele origin: germline.